The following is an entry in ClinVar:

NM_000079.4(CHRNA1):c.302C>T (p.Pro101Leu)

Gene: CHRNA1 (cholinergic receptor nicotinic alpha 1 subunit; minus strand). Cytogenetic location: 2q31.1.
Variant type: single nucleotide variant.
Coding change: c.302C>T on transcript NM_000079.4 (MANE Select); coding-DNA position 302, C replaced by T.
Protein change: p.Pro101Leu; replaces proline 101 with leucine.
Molecular consequence: missense variant.
Genome position (GRCh38, 1-based): chr2:174,757,608, G>A on the plus strand (C>T on the coding strand, the complement: CHRNA1 is on the minus strand). VCF-style: chr2-174757608-G-A. GRCh37 (hg19) VCF-style: chr2-175622336-G-A.
Other names: c.377C>T, p.Pro126Leu (NM_001039523.3); short protein forms P101L, P126L.
Identifiers: ClinVar variation 4696791 (VCV004696791.1).

ClinVar aggregate classification (germline): Uncertain significance (1 of 4 stars; one submission).

Conditions:
Lethal multiple pterygium syndrome (LMPS). Identifiers: Orphanet 33108, MedGen C1854678, MONDO:0009668, OMIM 253290.

gnomAD v4.1: 2 of 1,614,028 alleles (0.00012%); highest among the groups gnomAD compares: African/African-American, 0.0013%; no homozygotes.

Submission:

Labcorp Genetics (formerly Invitae), Labcorp
Classification: Uncertain significance for Lethal multiple pterygium syndrome. Last evaluated: 2025-05-28. Review status: criteria provided, single submitter. Criteria: Invitae Variant Classification Sherloc (09022015). Collection method: clinical testing. Allele origin: germline.
Comment: This sequence change replaces proline, which is neutral and non-polar, with leucine, which is neutral and non-polar, at codon 101 of the CHRNA1 protein (p.Pro101Leu). This variant is present in population databases (no rsID available, gnomAD 0.007%). This variant has not been reported in the literature in individuals affected with CHRNA1-related conditions. Invitae Evidence Modeling of protein sequence and biophysical properties (such as structural, functional, and spatial information, amino acid conservation, physicochemical variation, residue mobility, and thermodynamic stability) indicates that this missense variant is not expected to disrupt CHRNA1 protein function with a negative predictive value of 80%. In summary, the available evidence is currently insufficient to determine the role of this variant in disease. Therefore, it has been classified as a Variant of Uncertain Significance.